The following is an entry in ClinVar:

NM_153240.5(NPHP3):c.141A>T (p.Arg47=)

Genes: NPHP3 (nephrocystin 3; minus strand), NPHP3-ACAD11 (NPHP3-ACAD11 readthrough (NMD candidate); minus strand), NPHP3-AS1 (NPHP3 antisense RNA 1; plus strand), LOC129937586 (ATAC-STARR-seq lymphoblastoid silent region 14743; plus strand). Cytogenetic location: 3q22.1.
Variant type: single nucleotide variant.
Coding change: c.141A>T on transcript NM_153240.5 (MANE Select); coding-DNA position 141, A replaced by T.
Protein change: p.Arg47=; no amino-acid change (arginine 47 retained).
Molecular consequence: synonymous variant. On other transcripts: non-coding transcript variant (3).
Genome position (GRCh38, 1-based): chr3:132,722,215, T>A on the plus strand (A>T on the coding strand, the complement: NPHP3 is on the minus strand). VCF-style: chr3-132722215-T-A. GRCh37 (hg19) VCF-style: chr3-132441059-T-A.
Identifiers: ClinVar variation 700840 (VCV000700840.13), dbSNP rs774866337, ClinGen allele CA2622706.

ClinVar aggregate classification (germline): Likely benign. Review status: criteria provided, multiple submitters, no conflicts (2 of 4 stars). 3 submissions from 3 submitters: Likely benign (3). Last evaluated 2025-02-27.

Conditions:
NPHP3-related disorder. Also called: NPHP3-related disorders; NPHP3-related condition. Identifiers: MedGen CN379163.
Nephronophthisis. Also called: Juvenile Nephronophthisis. Identifiers: Orphanet 655, MedGen C0687120, MONDO:0019005, HP:0000090.
NPHP3-related Meckel-like syndrome. Also called: GOLDSTON SYNDROME; Meckel syndrome type 7. Identifiers: Orphanet 3032, MedGen C2673885, MONDO:0009966, OMIM 267010.
Renal-hepatic-pancreatic dysplasia 1 (RHPD1). Identifiers: MedGen C3715199, MONDO:0008833, OMIM 208540.
Nephronophthisis 3 (NPHP3). Also called: Adolescent nephronophthisis. Identifiers: Orphanet 655, MedGen C1858392, MONDO:0011456, OMIM 604387.

Allele frequency attached by ClinVar (database versions not stated): gnomAD exomes below 0.00001 and 0.00002; ExAC 0.00002; gnomAD 0.00006; TOPMed 0.00009; 1000 Genomes Project 30x 0.00016.
gnomAD v4.1: 16 of 1,532,772 alleles (0.001%); highest among the groups gnomAD compares: East Asian, 0.013%; no homozygotes.

Submissions (3):

Labcorp Genetics (formerly Invitae), Labcorp
Classification: Likely benign for Nephronophthisis. Last evaluated: 2025-02-27. Review status: criteria provided, single submitter. Criteria: Invitae Variant Classification Sherloc (09022015). Collection method: clinical testing. Allele origin: germline.

PreventionGenetics, part of Exact Sciences
Classification: Likely benign for NPHP3-related condition. Last evaluated: 2024-11-12. Review status: criteria provided, single submitter. Criteria: ACMG Guidelines, 2015. Collection method: clinical testing. Allele origin: germline.
Comment: This variant is classified as likely benign based on ACMG/AMP sequence variant interpretation guidelines (Richards et al. 2015 PMID: 25741868, with internal and published modifications).

Fulgent Genetics
Classification: Likely benign for Renal-hepatic-pancreatic dysplasia 1; NPHP3-related Meckel-like syndrome; Nephronophthisis 3. Last evaluated: 2022-01-06. Review status: criteria provided, single submitter. Criteria: ACMG Guidelines, 2015. Collection method: clinical testing. Allele origin: unknown.